The following is an entry in ClinVar:

NC_000003.11:g.(?_49454973)_(49456604_?)del

Gene: AMT (aminomethyltransferase; minus strand). Cytogenetic location: 3p21.31.
Variant type: Deletion.
Identifiers: ClinVar variation 3246872 (VCV003246872.1).

ClinVar aggregate classification (germline): Pathogenic (1 of 4 stars; one submission).

Conditions:
Glycine encephalopathy. Also called: Nonketotic hyperglycinemia; Non-ketotic hyperglycinemia. Identifiers: Orphanet 407, MedGen C0751748, MONDO:0011612, HP:0008288.

Submission:

Labcorp Genetics (formerly Invitae), Labcorp
Classification: Pathogenic for Glycine encephalopathy. Last evaluated: 2023-12-29. Review status: criteria provided, single submitter. Criteria: Invitae Variant Classification Sherloc (09022015). Collection method: clinical testing. Allele origin: unknown.
Comment: This variant is a gross deletion of the genomic region encompassing exon(s) 7-9 of the AMT gene, which includes the termination codon. This deletion extends beyond the assayed region for this gene and therefore may encompass additional genes. While this deletion is not anticipated to lead to nonsense mediated decay, it is expected to alter mRNA translation or result in a truncated protein product. This variant has not been reported in the literature in individuals affected with AMT-related conditions. This variant disrupts a region of the AMT protein in which other variant(s) (p.Tyr369*) have been determined to be pathogenic (PMID: 27362913). This suggests that this is a clinically significant region of the protein, and that variants that disrupt it are likely to be disease-causing. For these reasons, this variant has been classified as Pathogenic.

Literature cited by the submitters: PubMed 27362913.